The following is an entry in ClinVar:

NM_001308093.3(GATA4):c.400A>G (p.Ser134Gly)

Gene: GATA4 (GATA binding protein 4). Cytogenetic location: 8p23.1.
Variant type: single nucleotide variant.
Coding change: c.400A>G on transcript NM_001308093.3 (MANE Select); coding-DNA position 400, A replaced by G.
Protein change: p.Ser134Gly; replaces serine 134 with glycine.
Molecular consequence: missense variant. On other transcripts: intron variant (3).
Genome position (GRCh38, 1-based): chr8:11,708,712, A>G. VCF-style: chr8-11708712-A-G. GRCh37 (hg19) VCF-style: chr8-11566221-A-G.
Other names: c.400A>G, p.Ser134Gly (NM_002052.5); c.-6+7934A>G (NM_001308094.2); c.-3+698A>G (NM_001374274.1); c.-3+4408A>G (NM_001374273.1); short protein forms S134G.
Identifiers: ClinVar variation 2907334 (VCV002907334.3), dbSNP rs1295769704, ClinGen allele CA370309542.

ClinVar aggregate classification (germline): Uncertain significance (1 of 4 stars; one submission).

Conditions:
Atrioventricular septal defect 4 (AVSD4). Identifiers: MedGen C3280781, MONDO:0013747, OMIM 614430.

Allele frequency attached by ClinVar (database versions not stated): TOPMed below 0.00001; gnomAD 0.00001.

Submission:

Labcorp Genetics (formerly Invitae), Labcorp
Classification: Uncertain significance for Atrioventricular septal defect 4. Last evaluated: 2024-01-25. Review status: criteria provided, single submitter. Criteria: Invitae Variant Classification Sherloc (09022015). Collection method: clinical testing. Allele origin: germline.
Comment: This sequence change replaces serine, which is neutral and polar, with glycine, which is neutral and non-polar, at codon 134 of the GATA4 protein (p.Ser134Gly). This variant is not present in population databases (gnomAD no frequency). This variant has not been reported in the literature in individuals affected with GATA4-related conditions. Advanced modeling of protein sequence and biophysical properties (such as structural, functional, and spatial information, amino acid conservation, physicochemical variation, residue mobility, and thermodynamic stability) performed at Invitae indicates that this missense variant is not expected to disrupt GATA4 protein function with a negative predictive value of 80%. In summary, the available evidence is currently insufficient to determine the role of this variant in disease. Therefore, it has been classified as a Variant of Uncertain Significance.